The following is an entry in ClinVar:

ClinVar aggregate classification (germline): Likely benign. Review status: criteria provided, multiple submitters, no conflicts (2 of 4 stars). 2 submissions from 2 submitters: Likely benign (2). Last evaluated 2024-07-01.

Allele frequency attached by ClinVar (database versions not stated): ExAC 0.00029; gnomAD 0.00064; TOPMed 0.00078; ESP Exome Variant Server 0.00100; 1000 Genomes Project 0.00120; 1000 Genomes Project 30x 0.00125.
gnomAD v4.1: 252 of 1,613,012 alleles (0.016%); highest among the groups gnomAD compares: African/African-American, 0.21%; 2 homozygotes.

Submissions (2):

CeGaT Center for Human Genetics Tuebingen
Classification: Likely benign. Last evaluated: 2024-07-01. Review status: criteria provided, single submitter. Criteria: CeGaT Center For Human Genetics Tuebingen Variant Classification Criteria Version 2. Collection method: clinical testing. Allele origin: germline. Affected: yes. Observed: 2 variant alleles.
Comment: FLG: BP4, BP7

Blueprint Genetics
Classification: Likely benign. Last evaluated: 2024-03-28. Review status: criteria provided, single submitter. Criteria: ACMG Guidelines, 2015. Collection method: clinical testing. Allele origin: germline.

NM_002016.2(FLG):c.5649G>A (p.Ser1883=)

Genes: CCDST (cervical cancer associated DHX9 suppressive transcript; plus strand), FLG (filaggrin; minus strand). Cytogenetic location: 1q21.3.
Variant type: single nucleotide variant.
Coding change: c.5649G>A on transcript NM_002016.2 (MANE Select); coding-DNA position 5649, G replaced by A.
Protein change: p.Ser1883=; no amino-acid change (serine 1883 retained).
Molecular consequence: synonymous variant.
Genome position (GRCh38, 1-based): chr1:152,309,237, C>T on the plus strand (G>A on the coding strand, the complement: FLG is on the minus strand). VCF-style: chr1-152309237-C-T. GRCh37 (hg19) VCF-style: chr1-152281713-C-T.
Identifiers: ClinVar variation 2639282 (VCV002639282.25), dbSNP rs147453929, ClinGen allele CA1105669.
Genomic context (GRCh38, chr1:152,309,237, plus strand): 5'-TCCCTGGCCCACCTGCGAGTGTCTAGAGCTGTCGGCCCGAGAGGAAGCTTCATGGTGACG[C>T]GACCCTGAGTGCCTGGAGCCGTCTCCTGATTGTTTCTCATTACGTGTTTGTCTGCTGACA-3'
Protein context (NP_002007.1, residues 1873-1893): QSGDGSRHSG[Ser1883=]RHHEASSRAD